The following is an entry in ClinVar:

ClinVar aggregate classification (germline): Uncertain significance (1 of 4 stars; one submission).

Conditions:
Progressive sclerosing poliodystrophy (MTDPS4A). Also called: Mitochondrial DNA depletion syndrome 4A (Alpers type); ALPERS DIFFUSE DEGENERATION OF CEREBRAL GRAY MATTER WITH HEPATIC CIRRHOSIS; Alpers-Huttenlocher Syndrome; Mitochondrial DNA Depletion Syndrome 4A; Alpers-Huttenlocher Syndrome (AHS); ALPERS PROGRESSIVE INFANTILE POLIODYSTROPHY. Identifiers: Orphanet 726, MedGen C0205710, MONDO:0008758, OMIM 203700.

gnomAD v4.1: 33 of 1,613,896 alleles (0.002%); highest among the groups gnomAD compares: Non-Finnish European, 0.0028%; no homozygotes.

Submission:

Labcorp Genetics (formerly Invitae), Labcorp
Classification: Uncertain significance for Progressive sclerosing poliodystrophy. Last evaluated: 2025-10-05. Review status: criteria provided, single submitter. Criteria: Invitae Variant Classification Sherloc (09022015). Collection method: clinical testing. Allele origin: germline.
Comment: This sequence change replaces glutamic acid, which is acidic and polar, with alanine, which is neutral and non-polar, at codon 1042 of the POLG protein (p.Glu1042Ala). This variant is present in population databases (no rsID available, gnomAD 0.0009%). This variant has not been reported in the literature in individuals affected with POLG-related conditions. Invitae Evidence Modeling of protein sequence and biophysical properties (such as structural, functional, and spatial information, amino acid conservation, physicochemical variation, residue mobility, and thermodynamic stability) has been performed for this missense variant. However, the output from this modeling did not meet the statistical confidence thresholds required to predict the impact of this variant on POLG protein function. In summary, the available evidence is currently insufficient to determine the role of this variant in disease. Therefore, it has been classified as a Variant of Uncertain Significance.

NM_002693.3(POLG):c.3125A>C (p.Glu1042Ala)

Gene: POLG (DNA polymerase gamma, catalytic subunit; minus strand). Cytogenetic location: 15q26.1.
Variant type: single nucleotide variant.
Coding change: c.3125A>C on transcript NM_002693.3 (MANE Select); coding-DNA position 3125, A replaced by C.
Protein change: p.Glu1042Ala; replaces glutamic acid 1042 with alanine.
Molecular consequence: missense variant.
Genome position (GRCh38, 1-based): chr15:89,319,079, T>G on the plus strand (A>C on the coding strand, the complement: POLG is on the minus strand). VCF-style: chr15-89319079-T-G. GRCh37 (hg19) VCF-style: chr15-89862310-T-G.
Other names: c.3125A>C, p.Glu1042Ala (NM_001126131.2); short protein forms E1042A.
Identifiers: ClinVar variation 4775412 (VCV004775412.1).